The following is an entry in ClinVar:

ClinVar aggregate classification (germline): Uncertain significance. Review status: criteria provided, multiple submitters, no conflicts (2 of 4 stars). 2 submissions from 2 submitters: Uncertain significance (2). Last evaluated 2025-01-06.

Conditions:
Inborn genetic diseases. Identifiers: MedGen C0950123, MeSH D030342.

Allele frequency attached by ClinVar (database versions not stated): gnomAD exomes below 0.00001; ESP Exome Variant Server 0.00008.
gnomAD v4.1: 2 of 1,613,900 alleles (0.00012%); highest among the groups gnomAD compares: Non-Finnish European, 0.00017%; no homozygotes.

Submissions (2):

Ambry Genetics
Classification: Uncertain significance for Inborn genetic diseases. Last evaluated: 2025-01-06. Review status: criteria provided, single submitter. Criteria: Ambry Variant Classification Scheme 2023. Collection method: clinical testing. Allele origin: germline.
Comment: The p.D1121G variant (also known as c.3362A>G), located in coding exon 1 of the SAMD9 gene, results from an A to G substitution at nucleotide position 3362. The aspartic acid at codon 1121 is replaced by glycine, an amino acid with similar properties. This amino acid position is conserved. In addition, this alteration is predicted to be deleterious by in silico analysis. Based on the available evidence, the clinical significance of this variant remains unclear.

GeneDx
Classification: Uncertain significance. Last evaluated: 2023-12-01. Review status: criteria provided, single submitter. Criteria: GeneDx Variant Classification Process June 2021. Collection method: clinical testing. Allele origin: germline.
Comment: Not observed at significant frequency in large population cohorts (gnomAD); In silico analysis supports that this missense variant has a deleterious effect on protein structure/function; Has not been previously published as pathogenic or benign to our knowledge; This variant is associated with the following publications: (PMID: 28545555)

NM_017654.4(SAMD9):c.3362A>G (p.Asp1121Gly)

Gene: SAMD9 (sterile alpha motif domain containing 9; minus strand). Cytogenetic location: 7q21.2.
Variant type: single nucleotide variant.
Coding change: c.3362A>G on transcript NM_017654.4 (MANE Select); coding-DNA position 3362, A replaced by G.
Protein change: p.Asp1121Gly; replaces aspartic acid 1121 with glycine.
Molecular consequence: missense variant.
Genome position (GRCh38, 1-based): chr7:93,102,736, T>C on the plus strand (A>G on the coding strand, the complement: SAMD9 is on the minus strand). VCF-style: chr7-93102736-T-C. GRCh37 (hg19) VCF-style: chr7-92732049-T-C.
Other names: c.3362A>G, p.Asp1121Gly (NM_001193307.2); short protein forms D1121G.
Identifiers: ClinVar variation 2580068 (VCV002580068.3), dbSNP rs368299433, ClinGen allele CA161990586.
Genomic context (GRCh38, chr7:93,102,736, plus strand): 5'-TTTCCTCCGTTTTCCTCTATCCACCATCTTATTTTACTTTTGTAGACTTGACCCAGTGTA[T>C]CTGAGATATAAGAATTGTCAGGTTCTATGATTTTTGCTTGTTTTGCCCAGTTTAGAGCAT-3'
Protein context (NP_060124.2, residues 1111-1131): IIEPDNSYIS[Asp1121Gly]TLGQVYKSKI